The following is an entry in ClinVar:

NM_181078.3(IL21R):c.839T>C (p.Leu280Pro)

Gene: IL21R (interleukin 21 receptor; plus strand). Cytogenetic location: 16p12.1.
Variant type: single nucleotide variant.
Coding change: c.839T>C on transcript NM_181078.3 (MANE Select); coding-DNA position 839, T replaced by C.
Protein change: p.Leu280Pro; replaces leucine 280 with proline.
Molecular consequence: missense variant.
Genome position (GRCh38, 1-based): chr16:27,446,060, T>C. VCF-style: chr16-27446060-T-C. GRCh37 (hg19) VCF-style: chr16-27457381-T-C.
Other names: c.839T>C, p.Leu280Pro (NM_021798.4); c.905T>C, p.Leu302Pro (NM_181079.5); short protein forms L302P, L280P.
Identifiers: ClinVar variation 540991 (VCV000540991.9), dbSNP rs1555498519, ClinGen allele CA395305230.

ClinVar aggregate classification (germline): Uncertain significance (1 of 4 stars; one submission).

Conditions:
Cryptosporidiosis-chronic cholangitis-liver disease syndrome. Also called: IL21R immunodeficiency; Immunodeficiency type 56. Identifiers: Orphanet 357329, MedGen C3554687, MONDO:0014082, OMIM 615207.

Allele frequency attached by ClinVar (database versions not stated): gnomAD exomes below 0.00001.
gnomAD v4.1: 1 of 1,613,708 alleles (0.000062%); highest among the groups gnomAD compares: Non-Finnish European, 0.000085%; no homozygotes.

Submission:

Labcorp Genetics (formerly Invitae), Labcorp
Classification: Uncertain significance for Cryptosporidiosis-chronic cholangitis-liver disease syndrome. Last evaluated: 2017-10-23. Review status: criteria provided, single submitter. Criteria: Invitae Variant Classification Sherloc (09022015). Collection method: clinical testing. Allele origin: germline.
Comment: This sequence change replaces leucine with proline at codon 280 of the IL21R protein (p.Leu280Pro). The leucine residue is highly conserved and there is a moderate physicochemical difference between leucine and proline. This variant is not present in population databases (ExAC no frequency). This variant has not been reported in the literature in individuals with IL21R-related disease. Algorithms developed to predict the effect of missense changes on protein structure and function (SIFT, PolyPhen-2, Align-GVGD) all suggest that this variant is likely to be disruptive, but these predictions have not been confirmed by published functional studies and their clinical significance is uncertain. In summary, the available evidence is currently insufficient to determine the role of this variant in disease. Therefore, it has been classified as a Variant of Uncertain Significance.